The following is an entry in ClinVar:

NM_024598.4(USB1):c.92A>C (p.His31Pro)

Genes: USB1 (U6 snRNA biogenesis phosphodiesterase 1; plus strand), LOC130059131 (ATAC-STARR-seq lymphoblastoid active region 10920; plus strand). Cytogenetic location: 16q21.
Variant type: single nucleotide variant.
Coding change: c.92A>C on transcript NM_024598.4 (MANE Select); coding-DNA position 92, A replaced by C.
Protein change: p.His31Pro; replaces histidine 31 with proline.
Molecular consequence: missense variant. On other transcripts: intron variant (1).
Genome position (GRCh38, 1-based): chr16:58,001,575, A>C. VCF-style: chr16-58001575-A-C. GRCh37 (hg19) VCF-style: chr16-58035479-A-C.
Other names: c.-55-904A>C (NM_001330568.2); c.92A>C, p.His31Pro (NM_001195302.2, NM_001204911.2, NM_001330569.2); short protein forms H31P.
Identifiers: ClinVar variation 4866360 (VCV004866360.1).

ClinVar aggregate classification (germline): Uncertain significance (1 of 4 stars; one submission).

Conditions:
Inborn genetic diseases. Identifiers: MedGen C0950123, MeSH D030342.

gnomAD v4.1: 1 of 1,605,764 alleles (0.000062%); highest among the groups gnomAD compares: Non-Finnish European, 0.000085%; no homozygotes.

Submission:

Ambry Genetics
Classification: Uncertain significance for Inborn genetic diseases. Last evaluated: 2026-05-01. Review status: criteria provided, single submitter. Criteria: Ambry Variant Classification Scheme 2023. Collection method: clinical testing. Allele origin: germline.
Comment: The p.H31P variant (also known as c.92A>C), located in coding exon 1 of the USB1 gene, results from an A to C substitution at nucleotide position 92. The histidine at codon 31 is replaced by proline, an amino acid with similar properties. This amino acid position is conserved. In addition, this alteration is predicted to be tolerated by in silico analysis. Based on the available evidence, the clinical significance of this variant remains unclear.